The following is an entry in ClinVar:

ClinVar aggregate classification (germline): Likely benign. Review status: criteria provided, multiple submitters, no conflicts (2 of 4 stars). 2 submissions from 2 submitters: Likely benign (2). Last evaluated 2026-04-01.

gnomAD v4.1: 173 of 1,614,146 alleles (0.011%); highest among the groups gnomAD compares: Admixed American, 0.2%; no homozygotes.

Submissions (2):

CeGaT Center for Human Genetics Tuebingen
Classification: Likely benign. Last evaluated: 2026-04-01. Review status: criteria provided, single submitter. Criteria: CeGaT Center For Human Genetics Tuebingen Variant Classification Criteria Version 2. Collection method: clinical testing. Allele origin: germline. Affected: yes. Observed: 1 variant allele.
Comment: TRPM3: BP4, BP7, BS1

Blueprint Genetics
Classification: Likely benign. Last evaluated: 2024-09-13. Review status: criteria provided, single submitter. Criteria: ACMG Guidelines, 2015. Collection method: clinical testing. Allele origin: germline.

NM_001366145.2(TRPM3):c.648G>A (p.Ala216=)

Gene: TRPM3 (transient receptor potential cation channel subfamily M member 3; minus strand). Cytogenetic location: 9q21.12.
Variant type: single nucleotide variant.
Coding change: c.648G>A on transcript NM_001366145.2 (MANE Select); coding-DNA position 648, G replaced by A.
Protein change: p.Ala216=; no amino-acid change (alanine 216 retained).
Molecular consequence: synonymous variant.
Genome position (GRCh38, 1-based): chr9:70,846,406, C>T on the plus strand (G>A on the coding strand, the complement: TRPM3 is on the minus strand). VCF-style: chr9-70846406-C-T. GRCh37 (hg19) VCF-style: chr9-73461322-C-T.
Other names: c.189G>A, p.Ala63= (NM_001007470.3, NM_001366154.2, NM_020952.6 and 6 more transcripts); c.648G>A, p.Ala216= (NM_001007471.4, NM_001366146.2, NM_001366147.2 and 6 more transcripts); c.654G>A, p.Ala218= (NM_001366141.2, NM_001366142.2, NM_001366143.2 and 1 more transcripts).
Identifiers: ClinVar variation 4873395 (VCV004873395.3).
Genomic context (GRCh38, chr9:70,846,406, plus strand): 5'-ATGTTGACTTTCTCTGTTCCACTTGCAATTACCTGTGTTAACCCCTCCAGTGAATATCCA[C>T]GCTCCAGTTGTCATTGCTGCTTTGATGAGCCCTTTCCCAAAGACTTGCTTGAGTTTTGGC-3'
Protein context (NP_001353074.1, residues 206-226): GLIKAAMTTG[Ala216=]WIFTGGVNTG